The following is an entry in ClinVar:

ClinVar aggregate classification (germline): Likely benign (0 of 4 stars; one submission).

Conditions:
PKD1L1-related disorder. Also called: PKD1L1-related condition.

Allele frequency attached by ClinVar (database versions not stated): ExAC 0.00001; gnomAD 0.00001; TOPMed 0.00001.
gnomAD v4.1: 2 of 1,278,948 alleles (0.00016%); highest among the groups gnomAD compares: African/African-American, 0.0029%; no homozygotes.

Submission:

PreventionGenetics, part of Exact Sciences
Classification: Likely benign for PKD1L1-related condition. Last evaluated: 2022-12-20. Review status: no assertion criteria provided. Collection method: clinical testing. Allele origin: germline.
Comment: This variant is classified as likely benign based on ACMG/AMP sequence variant interpretation guidelines (Richards et al. 2015 PMID: 25741868, with internal and published modifications).

NM_138295.5(PKD1L1):c.1176A>G (p.Glu392=)

Gene: PKD1L1 (polycystin 1 like 1, transient receptor potential channel interacting; minus strand). Cytogenetic location: 7p12.3.
Variant type: single nucleotide variant.
Coding change: c.1176A>G on transcript NM_138295.5 (MANE Select); coding-DNA position 1176, A replaced by G.
Protein change: p.Glu392=; no amino-acid change (glutamic acid 392 retained).
Molecular consequence: synonymous variant.
Genome position (GRCh38, 1-based): chr7:47,915,484, T>C on the plus strand (A>G on the coding strand, the complement: PKD1L1 is on the minus strand). VCF-style: chr7-47915484-T-C. GRCh37 (hg19) VCF-style: chr7-47955081-T-C.
Identifiers: ClinVar variation 3049009 (VCV003049009.2), dbSNP rs367973492, ClinGen allele CA4254135.